The following is an entry in ClinVar:

NM_004168.4(SDHA):c.1880T>G (p.Leu627Arg)

Gene: SDHA (succinate dehydrogenase complex flavoprotein subunit A; plus strand). Cytogenetic location: 5p15.33.
Variant type: single nucleotide variant.
Coding change: c.1880T>G on transcript NM_004168.4 (MANE Select); coding-DNA position 1880, T replaced by G.
Protein change: p.Leu627Arg; replaces leucine 627 with arginine.
Molecular consequence: missense variant.
Genome position (GRCh38, 1-based): chr5:254,478, T>G. VCF-style: chr5-254478-T-G. GRCh37 (hg19) VCF-style: chr5-254593-T-G.
Other names: c.1736T>G, p.Leu579Arg (NM_001294332.2); c.1637T>G, p.Leu546Arg (NM_001330758.2); c.1880T>G (NM_004168.2); short protein forms L579R, L546R, L627R.
Identifiers: ClinVar variation 1039800 (VCV001039800.12), dbSNP rs1737051659, ClinGen allele CA359002113.
Genomic context (GRCh38, chr5:254,478, plus strand): 5'-CCAAGCCCATCCAGGGGCAACAGAAGAAGCCCTTTGAGGAGCACTGGAGGAAGCACACCC[T>G]GTCCTATGTGGACGTTGGCACTGGGAAGGTCAGTGTGGAGCTCGTTCTCACCACAGCCCA-3'
Protein context (NP_004159.2, residues 617-637): PFEEHWRKHT[Leu627Arg]SYVDVGTGKV

ClinVar aggregate classification (germline): Uncertain significance. Review status: criteria provided, multiple submitters, no conflicts (2 of 4 stars). 2 submissions from 2 submitters: Uncertain significance (2). Last evaluated 2025-07-07.

Conditions:
Hereditary cancer-predisposing syndrome. Also called: Tumor predisposition; Hereditary neoplastic syndrome; Neoplastic Syndromes, Hereditary; Hereditary Cancer Syndrome. Identifiers: Orphanet 140162, MedGen C0027672, MeSH D009386, MONDO:0015356.
Mitochondrial complex II deficiency, nuclear type 1. Also called: SUCCINATE CoQ REDUCTASE DEFICIENCY. Identifiers: Orphanet 3208, MedGen C5700310, MONDO:0100294, OMIM 252011.
Pheochromocytoma/paraganglioma syndrome 5. Also called: Paragangliomas 5; SDHA-Related Hereditary Paraganglioma-Pheochromocytoma Syndrome. Identifiers: Orphanet 29072, MedGen C3279992, MONDO:0013602, OMIM 614165.

Submissions (2):

Ambry Genetics
Classification: Uncertain significance for Hereditary cancer-predisposing syndrome. Last evaluated: 2025-07-07. Review status: criteria provided, single submitter. Criteria: Ambry Variant Classification Scheme 2023. Collection method: clinical testing. Allele origin: germline.
Comment: The p.L627R variant (also known as c.1880T>G), located in coding exon 14 of the SDHA gene, results from a T to G substitution at nucleotide position 1880. The leucine at codon 627 is replaced by arginine, an amino acid with dissimilar properties. This amino acid position is well conserved in available vertebrate species. In addition, this alteration is predicted to be tolerated by in silico analysis. Based on the available evidence, the clinical significance of this variant remains unclear.

Labcorp Genetics (formerly Invitae), Labcorp
Classification: Uncertain significance for Pheochromocytoma/paraganglioma syndrome 5; Mitochondrial complex II deficiency, nuclear type 1. Last evaluated: 2020-09-30. Review status: criteria provided, single submitter. Criteria: Invitae Variant Classification Sherloc (09022015). Collection method: clinical testing. Allele origin: germline.
Comment: This sequence change replaces leucine with arginine at codon 627 of the SDHA protein (p.Leu627Arg). The leucine residue is moderately conserved and there is a moderate physicochemical difference between leucine and arginine. This variant is not present in population databases (ExAC no frequency). This variant has not been reported in the literature in individuals with SDHA-related conditions. Algorithms developed to predict the effect of missense changes on protein structure and function (SIFT, PolyPhen-2, Align-GVGD) all suggest that this variant is likely to be disruptive, but these predictions have not been confirmed by published functional studies and their clinical significance is uncertain. In summary, the available evidence is currently insufficient to determine the role of this variant in disease. Therefore, it has been classified as a Variant of Uncertain Significance.